The following is an entry in ClinVar:

ClinVar aggregate classification (germline): Uncertain significance. Review status: criteria provided, multiple submitters, no conflicts (2 of 4 stars). 2 submissions from 2 submitters: Uncertain significance (2). Last evaluated 2026-01-16.

Conditions:
Hypertrophic cardiomyopathy. Also called: HYPERTROPHIC MYOCARDIOPATHY. Identifiers: Orphanet 217569, MedGen C0007194, MeSH D002312, MONDO:0005045, HP:0001639.

Submissions (2):

Women's Health and Genetics/Laboratory Corporation of America, LabCorp
Classification: Uncertain significance. Last evaluated: 2026-01-16. Review status: criteria provided, single submitter. Criteria: LabCorp Variant Classification Summary - May 2015. Collection method: clinical testing. Allele origin: germline.

Labcorp Genetics (formerly Invitae), Labcorp
Classification: Uncertain significance for Hypertrophic cardiomyopathy. Last evaluated: 2025-09-22. Review status: criteria provided, single submitter. Criteria: Invitae Variant Classification Sherloc (09022015). Collection method: clinical testing. Allele origin: germline.
Comment: This sequence change falls in intron 4 of the MYBPC3 gene. It does not directly change the encoded amino acid sequence of the MYBPC3 protein. It affects a nucleotide within the consensus splice site. This variant is not present in population databases (gnomAD no frequency). This variant has not been reported in the literature in individuals affected with MYBPC3-related conditions. ClinVar contains an entry for this variant (Variation ID: 2004271). Variants that disrupt the consensus splice site are a relatively common cause of aberrant splicing (PMID: 17576681, 9536098). Algorithms developed to predict the effect of sequence changes on RNA splicing suggest that this variant may disrupt the consensus splice site. In summary, the available evidence is currently insufficient to determine the role of this variant in disease. Therefore, it has been classified as a Variant of Uncertain Significance.

Literature cited by the submitters: PubMed 17576681 (cited by Labcorp Genetics (formerly Invitae), Labcorp); PubMed 9536098 (cited by Labcorp Genetics (formerly Invitae), Labcorp).

NM_000256.3(MYBPC3):c.505+4_505+5del

Gene: MYBPC3 (myosin binding protein C3; minus strand). Cytogenetic location: 11p11.2.
Variant type: Deletion.
Coding change: c.505+4_505+5del on transcript NM_000256.3 (MANE Select); bases 4 to 5 of the intron after coding-DNA position 505, 2 bases deleted (AG; older notation c.505+4_505+5delAG).
Molecular consequence: intron variant.
Genome position (GRCh38, 1-based): chr11:47,350,009-47,350,010, CT deleted on the plus strand (AG on the coding strand, the reverse complement: MYBPC3 is on the minus strand); deleting any 2 consecutive bases within chr11:47,350,009-47,350,011 gives the same sequence; the c. name uses the placement nearest the transcript's 3' end. VCF-style (leftmost placement, unchanged base first): chr11-47350008-ACT-A. GRCh37 (hg19) VCF-style: chr11-47371559-ACT-A.
Other names: c.505+4_505+5delAG (NM_000256.3).
Identifiers: ClinVar variation 2004271 (VCV002004271.5), dbSNP rs2495781531, ClinGen allele CA2580084241.